The following is an entry in ClinVar:

ClinVar aggregate classification (germline): Pathogenic (1 of 4 stars; one submission).

Allele frequency attached by ClinVar (database versions not stated): gnomAD exomes below 0.00001 and 0.00002; gnomAD 0.00003.
gnomAD v4.1: 29 of 1,613,864 alleles (0.0018%); highest among the groups gnomAD compares: Middle Eastern, 0.033%; no homozygotes.

Submission:

GeneDx
Classification: Pathogenic. Last evaluated: 2026-08-21. Review status: criteria provided, single submitter. Criteria: GeneDx Variant Classification Process June 2021. Collection method: clinical testing. Allele origin: germline.
Comment: Nonsense variant predicted to result in protein truncation, as the last 183 amino acid(s) are lost, and other loss-of-function variants have been reported downstream in HGMD; Not observed at significant frequency in large population cohorts (gnomAD); Has not been previously published as pathogenic or benign in a patient with FLG-related disorder to our knowledge; This variant is associated with the following publications: (PMID: 31589614, 37200867)

NM_002016.2(FLG):c.11635C>T (p.Arg3879Ter)

Genes: CCDST (cervical cancer associated DHX9 suppressive transcript; plus strand), FLG (filaggrin; minus strand). Cytogenetic location: 1q21.3.
Variant type: single nucleotide variant.
Coding change: c.11635C>T on transcript NM_002016.2 (MANE Select); coding-DNA position 11635, C replaced by T.
Protein change: p.Arg3879Ter; replaces arginine 3879 with a stop codon.
Molecular consequence: nonsense.
Genome position (GRCh38, 1-based): chr1:152,303,251, G>A on the plus strand (C>T on the coding strand, the complement: FLG is on the minus strand). VCF-style: chr1-152303251-G-A. GRCh37 (hg19) VCF-style: chr1-152275727-G-A.
Other names: short protein forms R3879*.
Identifiers: ClinVar variation 429362 (VCV000429362.7), dbSNP rs546871592, ClinGen allele CA30596895.